The following is an entry in ClinVar:

ClinVar aggregate classification (germline): Pathogenic. Review status: criteria provided, multiple submitters, no conflicts (2 of 4 stars). 10 submissions from 10 submitters: Pathogenic (6). 4 of the submissions do not count toward it. Last evaluated 2026-04-17.

Conditions:
IMPG2-related disorder. Also called: IMPG2-related condition.
IMPG2-related disorders.
Vitelliform macular dystrophy 5. Identifiers: Orphanet 99000, MedGen C4015343, MONDO:0014509, OMIM 616152.
Retinal dystrophy. Also called: Inherited retinal dystrophy. Identifiers: Orphanet 71862, MedGen C0854723, MeSH D058499, MONDO:0019118, HP:0000556.
Retinitis pigmentosa 56 (RP56). Identifiers: Orphanet 791, MedGen C3150819, MONDO:0013314, OMIM 613581.

Allele frequency attached by ClinVar (database versions not stated): gnomAD exomes 0.00002 and 0.00003; TOPMed 0.00003; gnomAD 0.00001; ExAC 0.00005.

Submissions (10):

GeneDx
Classification: Pathogenic. Last evaluated: 2026-04-17. Review status: criteria provided, single submitter. Criteria: GeneDx Variant Classification Process June 2021. Collection method: clinical testing. Allele origin: germline.
Comment: Nonsense variant predicted to result in protein truncation or nonsense mediated decay in a gene for which loss of function is a known mechanism of disease; This variant is associated with the following publications: (PMID: 25525159, 31964843, 36460718, 31213501, 36819107, 31769200, 20673862, 33576794, 25999674, 24876279, 33090715)

Labcorp Genetics (formerly Invitae), Labcorp
Classification: Pathogenic. Last evaluated: 2025-10-29. Review status: criteria provided, single submitter. Criteria: Invitae Variant Classification Sherloc (09022015). Collection method: clinical testing. Allele origin: germline.
Comment: This sequence change creates a premature translational stop signal (p.Arg906*) in the IMPG2 gene. It is expected to result in an absent or disrupted protein product. Loss-of-function variants in IMPG2 are known to be pathogenic (PMID: 20673862). This variant is present in population databases (rs267606876, gnomAD 0.006%). This premature translational stop signal has been observed in individuals with inherited retinal disease (PMID: 20673862, 24876279). ClinVar contains an entry for this variant (Variation ID: 3548). Algorithms developed to predict the effect of sequence changes on RNA splicing suggest that this variant may disrupt the consensus splice site. For these reasons, this variant has been classified as Pathogenic.

PreventionGenetics, part of Exact Sciences
Classification: Pathogenic for IMPG2-related condition. Last evaluated: 2025-09-05. Review status: criteria provided, single submitter. Criteria: ACMG Guidelines, 2015. Collection method: clinical testing. Allele origin: germline.
Comment: The IMPG2 c.2716C>T variant is predicted to result in premature protein termination (p.Arg906*). This variant has been reported to be pathogenic for autosomal recessive retinitis pigmentosa (see for example, Bandah-Rozenfeld et al. 2010. PubMed ID: 20673862; van Huet et al. 2014. PubMed ID: 24876279; Table S4, Colombo et al. 2021. PubMed ID: 33576794). This variant is reported in 0.0062% of alleles in individuals of European (Non-Finnish) descent in gnomAD. Nonsense variants in IMPG2 are expected to be pathogenic. This variant is interpreted as pathogenic.

Victorian Clinical Genetics Services, Murdoch Childrens Research Institute
Classification: Pathogenic for Vitelliform macular dystrophy 5. Last evaluated: 2025-02-12. Review status: criteria provided, single submitter. Criteria: ACMG Guidelines, 2015. Collection method: clinical testing. Allele origin: germline.
Comment: This variant is classified as Pathogenic. Evidence in support of pathogenic classification: Variant is predicted to cause nonsense-mediated decay (NMD) and loss of protein (premature termination codon is located at least 54 nucleotides upstream of the final exon-exon junction); Variant is present in gnomAD <0.01 (v4: 35 heterozygote(s), 0 homozygote(s)); This variant has strong previous evidence of pathogenicity in unrelated individuals. This variant has been classified as pathogenic by clinical laboratories in ClinVar and reported in the literature in individuals with retinal disorders (PMID: 20673862, 24876279, 27160483, 30724488); Other NMD-predicted variant(s) comparable to the one identified in this case have very strong previous evidence for pathogenicity (DECIPHER, ClinVar). Additional information: This variant is heterozygous; This gene is associated with both recessive and dominant disease. Retinitis pigmentosa 56 (MIM#613581) is associated with autosomal recessive inheritance, while vitelliform macular dystrophy 5 (MIM#616152) is associated with autosomal dominant inheritance; Loss of function is a known mechanism of disease in this gene and is associated with vitelliform macular dystrophy 5 (MIM#616152) and retinitis pigmentosa 56 (MIM#613581); Variants in this gene are known to have variable expressivity. Intrafamilial variability has been reported (PMID: 37806544).

Dept Of Ophthalmology, Nagoya University
Classification: Pathogenic for Retinal dystrophy. Last evaluated: 2023-10-01. Review status: criteria provided, single submitter. Criteria: Submitter's publication. Collection method: research. Allele origin: germline. Affected: yes.

Blueprint Genetics
Classification: Pathogenic for IMPG2-related disorders. Last evaluated: 2022-11-22. Review status: criteria provided, single submitter. Criteria: ACMG Guidelines, 2015. Collection method: clinical testing. Allele origin: germline. Affected: yes. Observed: 5 variant alleles.

OMIM
Classification: Pathogenic for RETINITIS PIGMENTOSA 56. Last evaluated: 2010-08-13. Review status: no assertion criteria provided. Collection method: literature only. Allele origin: germline. Not counted in ClinVar's aggregate classification.

Clinical Genetics DNA and cytogenetics Diagnostics Lab, Erasmus MC, Erasmus Medical Center
Classification: Pathogenic. Review status: no assertion criteria provided. Collection method: clinical testing. Allele origin: germline. Affected: yes. Study: VKGL Data-share Consensus. Not counted in ClinVar's aggregate classification.

Clinical Genetics, Academic Medical Center
Classification: Pathogenic. Review status: no assertion criteria provided. Collection method: clinical testing. Allele origin: germline. Affected: yes. Study: VKGL Data-share Consensus. Not counted in ClinVar's aggregate classification.

Joint Genome Diagnostic Labs from Nijmegen and Maastricht, Radboudumc and MUMC+
Classification: Pathogenic. Review status: no assertion criteria provided. Collection method: clinical testing. Allele origin: germline. Affected: yes. Study: VKGL Data-share Consensus. Not counted in ClinVar's aggregate classification.

Literature cited by the submitters: PubMed 20673862 (cited by 3 submitters); PubMed 24876279 (cited by Labcorp Genetics (formerly Invitae), Labcorp and Victorian Clinical Genetics Services, Murdoch Childrens Research Institute); PubMed 27160483 (cited by Victorian Clinical Genetics Services, Murdoch Childrens Research Institute); PubMed 37806544 (cited by Victorian Clinical Genetics Services, Murdoch Childrens Research Institute); PubMed 30724488 (cited by Victorian Clinical Genetics Services, Murdoch Childrens Research Institute).

NM_016247.4(IMPG2):c.2716C>T (p.Arg906Ter)

Gene: IMPG2 (interphotoreceptor matrix proteoglycan 2; minus strand). Cytogenetic location: 3q12.3.
Variant type: single nucleotide variant.
Coding change: c.2716C>T on transcript NM_016247.4 (MANE Select); coding-DNA position 2716, C replaced by T.
Protein change: p.Arg906Ter; replaces arginine 906 with a stop codon.
Molecular consequence: nonsense.
Genome position (GRCh38, 1-based): chr3:101,243,615, G>A on the plus strand (C>T on the coding strand, the complement: IMPG2 is on the minus strand). VCF-style: chr3-101243615-G-A. GRCh37 (hg19) VCF-style: chr3-100962459-G-A.
Other names: short protein forms R906*.
Identifiers: ClinVar variation 3548 (VCV000003548.21), dbSNP rs267606876, ClinGen allele CA252813.